The following is an entry in ClinVar:

ClinVar aggregate classification (germline): Conflicting classifications of pathogenicity. Review status: criteria provided, conflicting classifications (1 of 4 stars). 7 submissions from 7 submitters: Uncertain significance (6); Likely benign (1). Last evaluated 2026-01-25.

Conditions:
Hereditary cancer-predisposing syndrome. Also called: Neoplastic Syndromes, Hereditary; Tumor predisposition; Hereditary Cancer Syndrome; Hereditary neoplastic syndrome. Identifiers: Orphanet 140162, MedGen C0027672, MeSH D009386, MONDO:0015356.
Familial cancer of breast. Also called: BREAST CANCER, FAMILIAL; Hereditary breast cancer; hereditary breast carcinoma. Identifiers: Orphanet 227535, MedGen C0346153, MONDO:0016419, OMIM 114480. Disease mechanism: loss of function.

Allele frequency attached by ClinVar (database versions not stated): ExAC 0.00001; gnomAD 0.00001; gnomAD exomes 0.00001; TOPMed 0.00001.
gnomAD v4.1: 11 of 1,613,984 alleles (0.00068%); highest among the groups gnomAD compares: Non-Finnish European, 0.00093%; no homozygotes.

Submissions (7):

Labcorp Genetics (formerly Invitae), Labcorp
Classification: Uncertain significance for Familial cancer of breast. Last evaluated: 2026-01-25. Review status: criteria provided, single submitter. Criteria: Invitae Variant Classification Sherloc (09022015). Collection method: clinical testing. Allele origin: germline.
Comment: This sequence change replaces alanine, which is neutral and non-polar, with glycine, which is neutral and non-polar, at codon 188 of the PALB2 protein (p.Ala188Gly). This variant is present in population databases (rs587781975, gnomAD 0.002%). This missense change has been observed in individual(s) with unspecified cancer and breast cancer (PMID: 28873162, 35886069). ClinVar contains an entry for this variant (Variation ID: 141738). An algorithm developed to predict the effect of missense changes on protein structure and function (PolyPhen-2) suggests that this variant is likely to be tolerated. In summary, the available evidence is currently insufficient to determine the role of this variant in disease. Therefore, it has been classified as a Variant of Uncertain Significance.

Molecular Pathology, Peter Maccallum Cancer Centre
Classification: Uncertain significance for Familial cancer of breast. Last evaluated: 2024-12-02. Review status: criteria provided, single submitter. Criteria: ACMG Guidelines, 2015. Collection method: clinical testing. Allele origin: germline. Inheritance: Autosomal dominant inheritance.

Mayo Clinic Laboratories, Mayo Clinic
Classification: Uncertain significance. Last evaluated: 2024-08-20. Review status: criteria provided, single submitter. Criteria: ACMG Guidelines, 2015. Collection method: clinical testing. Allele origin: germline. Observed: 1 variant allele.

Color Diagnostics, LLC DBA Color Health
Classification: Uncertain significance for Hereditary cancer-predisposing syndrome. Last evaluated: 2024-06-04. Review status: criteria provided, single submitter. Criteria: ACMG Guidelines, 2015. Collection method: clinical testing. Allele origin: germline.
Comment: This missense variant replaces alanine with glycine at codon 188 of the PALB2 protein. Computational prediction suggests that this variant may not impact protein structure and function. To our knowledge, functional studies have not been reported for this variant. This variant has been reported in one individual each affected with breast cancer or unspecified cancer (PMID: 28873162, 35886069), and this variant also has been detected in a breast cancer case-control meta-analysis in 1/60466 cases and 0/53461 unaffected individuals (PMID: 33471991; Leiden Open Variation Database DB-ID PALB2_011162). This variant has been identified in 3/251426 chromosomes in the general population by the Genome Aggregation Database (gnomAD). The available evidence is insufficient to determine the role of this variant in disease conclusively. Therefore, this variant is classified as a Variant of Uncertain Significance.

Ambry Genetics
Classification: Likely benign for Hereditary cancer-predisposing syndrome. Last evaluated: 2024-02-01. Review status: criteria provided, single submitter. Criteria: Ambry Variant Classification Scheme 2023. Collection method: clinical testing. Allele origin: germline.

Sema4
Classification: Uncertain significance for Hereditary cancer-predisposing syndrome. Last evaluated: 2022-01-26. Review status: criteria provided, single submitter. Criteria: Sema4 Curation Guidelines. Collection method: curation. Allele origin: germline.
Comment: The PALB2 c.563C>G (p.A188G) variant has been reported in heterozygosity in at least one individual with breast cancer and one with advanced cancer (PMID: 33471991, 28873162). It was observed in 3/113720 chromosomes of the Non-Finnish European subpopulation in the large and broad cohorts of the Genome Aggregation Database (PMID: 32461654). The variant has been reported in ClinVar (Variation ID 141738). In silico tools suggest the impact of the variant on protein function is benign, though these predictions have not been confirmed by functional studies. The evidence is insufficient to meet ACMG/AMP criteria for classifying the variant as benign or pathogenic. Thus, the clinical significance of this variant is currently uncertain.

Genetic Services Laboratory, University of Chicago
Classification: Uncertain significance. Last evaluated: 2019-10-04. Review status: criteria provided, single submitter. Criteria: ACMG Guidelines, 2015. Collection method: clinical testing. Allele origin: germline. Affected: no.

Literature cited by the submitters: PubMed 28873162 (cited by 3 submitters); PubMed 35886069 (cited by 3 submitters); PubMed 33471991 (cited by 3 submitters).

NM_024675.4(PALB2):c.563C>G (p.Ala188Gly)

Gene: PALB2 (partner and localizer of BRCA2; minus strand). Cytogenetic location: 16p12.2.
Variant type: single nucleotide variant.
Coding change: c.563C>G on transcript NM_024675.4 (MANE Select); coding-DNA position 563, C replaced by G.
Protein change: p.Ala188Gly; replaces alanine 188 with glycine.
Molecular consequence: missense variant.
Genome position (GRCh38, 1-based): chr16:23,635,983, G>C on the plus strand (C>G on the coding strand, the complement: PALB2 is on the minus strand). VCF-style: chr16-23635983-G-C. GRCh37 (hg19) VCF-style: chr16-23647304-G-C.
Other names: p.Ala188Gly; short protein forms A188G.
Identifiers: ClinVar variation 141738 (VCV000141738.25), dbSNP rs587781975, ClinGen allele CA166273.